The following is an entry in ClinVar:

ClinVar aggregate classification (germline): Benign/Likely benign. Review status: criteria provided, multiple submitters, no conflicts (2 of 4 stars). 5 submissions from 5 submitters: Benign (1); Likely benign (4). Last evaluated 2025-12-14.

Conditions:
Hereditary nonpolyposis colorectal neoplasms. Identifiers: MedGen C0009405, MeSH D003123.
Lynch syndrome 5 (LYNCH5). Also called: Colorectal cancer, hereditary nonpolyposis, type 5; Hereditary non-polyposis colorectal cancer, type 5. Identifiers: Orphanet 144, MedGen C1833477, MONDO:0013710, OMIM 614350. Disease mechanism: loss of function.
Hereditary cancer-predisposing syndrome. Also called: Tumor predisposition; Neoplastic Syndromes, Hereditary; Hereditary neoplastic syndrome; Hereditary Cancer Syndrome. Identifiers: Orphanet 140162, MedGen C0027672, MeSH D009386, MONDO:0015356.
Lynch syndrome. Identifiers: Orphanet 144, MedGen C4552100, MONDO:0005835. Disease mechanism: loss of function.

Allele frequency attached by ClinVar (database versions not stated): ExAC 0.00001; TOPMed 0.00001; gnomAD 0.00002 and 0.00003.
gnomAD v4.1: 7 of 1,610,758 alleles (0.00043%); highest among the groups gnomAD compares: African/African-American, 0.008%; no homozygotes.

Submissions (5):

Labcorp Genetics (formerly Invitae), Labcorp
Classification: Likely benign for Hereditary nonpolyposis colorectal neoplasms. Last evaluated: 2025-12-14. Review status: criteria provided, single submitter. Criteria: Invitae Variant Classification Sherloc (09022015). Collection method: clinical testing. Allele origin: germline.

Myriad Genetics, Inc.
Classification: Benign for Lynch syndrome 5. Last evaluated: 2025-01-03. Review status: criteria provided, single submitter. Criteria: Myriad Autosomal Dominant, Autosomal Recessive and X-Linked Classification Criteria (2023). Collection method: clinical testing. Allele origin: unknown.
Comment: This variant is considered benign. This variant is a silent/synonymous amino acid change and it is not expected to impact splicing.

All of Us Research Program, National Institutes of Health
Classification: Likely benign for Lynch syndrome. Last evaluated: 2024-01-11. Review status: criteria provided, single submitter. Criteria: ACMG Guidelines, 2015. Collection method: clinical testing. Allele origin: germline. Inheritance: Autosomal dominant inheritance. Observed: 1 variant allele, 1 heterozygote.
Comment: This study involves interpretation of variants in research participants for the purpose of population health screening. Participant phenotype was not available at the time of variant classification. Additional details can be found in publication PMID: 35346344, PMCID: PMC8962531

Ambry Genetics
Classification: Likely benign for Hereditary cancer-predisposing syndrome. Last evaluated: 2019-07-29. Review status: criteria provided, single submitter. Criteria: Ambry Variant Classification Scheme 2023. Collection method: clinical testing. Allele origin: germline.

Color Diagnostics, LLC DBA Color Health
Classification: Likely benign for Hereditary cancer-predisposing syndrome. Last evaluated: 2016-12-12. Review status: criteria provided, single submitter. Criteria: ACMG Guidelines, 2015. Collection method: clinical testing. Allele origin: germline.

NM_000179.3(MSH6):c.3159T>C (p.Cys1053=)

Gene: MSH6 (mutS homolog 6; plus strand). Cytogenetic location: 2p16.3.
Variant type: single nucleotide variant.
Coding change: c.3159T>C on transcript NM_000179.3 (MANE Select); coding-DNA position 3159, T replaced by C.
Protein change: p.Cys1053=; no amino-acid change (cysteine 1053 retained).
Molecular consequence: synonymous variant.
Genome position (GRCh38, 1-based): chr2:47,801,142, T>C. VCF-style: chr2-47801142-T-C. GRCh37 (hg19) VCF-style: chr2-48028281-T-C.
Other names: c.2769T>C, p.Cys923= (NM_001281492.2); c.2253T>C, p.Cys751= (NM_001281493.2, NM_001281494.2).
Identifiers: ClinVar variation 416147 (VCV000416147.20), dbSNP rs767021188, ClinGen allele CA070126.